The following is an entry in ClinVar:

ClinVar aggregate classification (germline): Uncertain significance (1 of 4 stars; one submission).

Conditions:
Hereditary cancer-predisposing syndrome. Also called: Tumor predisposition; Neoplastic Syndromes, Hereditary; Hereditary neoplastic syndrome; Hereditary Cancer Syndrome. Identifiers: Orphanet 140162, MedGen C0027672, MeSH D009386, MONDO:0015356.

Submission:

Ambry Genetics
Classification: Uncertain significance for Hereditary cancer-predisposing syndrome. Last evaluated: 2024-11-18. Review status: criteria provided, single submitter. Criteria: Ambry Variant Classification Scheme 2023. Collection method: clinical testing. Allele origin: germline.
Comment: The c.72+4G>T intronic variant results from a G to T substitution 4 nucleotides after coding exon 1 in the ATM gene. This nucleotide position is poorly conserved in available vertebrate species. In silico splice site analysis predicts that this alteration will not have any significant effect on splicing. Based on the available evidence, the clinical significance of this variant remains unclear.

NM_000051.4(ATM):c.72+4G>T

Gene: ATM (ATM serine/threonine kinase; plus strand). Cytogenetic location: 11q22.3.
Variant type: single nucleotide variant.
Coding change: c.72+4G>T on transcript NM_000051.4 (MANE Select); 4 bases into the intron after coding-DNA position 72, G replaced by T.
Molecular consequence: intron variant.
Genome position (GRCh38, 1-based): chr11:108,227,700, G>T. VCF-style: chr11-108227700-G-T. GRCh37 (hg19) VCF-style: chr11-108098427-G-T.
Other names: c.72+4G>T (NM_001351834.2, NM_001351835.2, NM_001351836.2).
Identifiers: ClinVar variation 3452628 (VCV003452628.1).